The following is an entry in ClinVar:

ClinVar aggregate classification (germline): Uncertain significance. Review status: criteria provided, multiple submitters, no conflicts (2 of 4 stars). 2 submissions from 2 submitters: Uncertain significance (2). Last evaluated 2025-05-19.

Conditions:
Familial cancer of breast. Also called: BREAST CANCER, FAMILIAL; Hereditary breast cancer; hereditary breast carcinoma. Identifiers: Orphanet 227535, MedGen C0346153, MONDO:0016419, OMIM 114480. Disease mechanism: loss of function.
Hereditary cancer-predisposing syndrome. Also called: Neoplastic Syndromes, Hereditary; Tumor predisposition; Hereditary neoplastic syndrome; Hereditary Cancer Syndrome. Identifiers: Orphanet 140162, MedGen C0027672, MeSH D009386, MONDO:0015356.

Submissions (2):

Labcorp Genetics (formerly Invitae), Labcorp
Classification: Uncertain significance for Familial cancer of breast. Last evaluated: 2025-05-19. Review status: criteria provided, single submitter. Criteria: Invitae Variant Classification Sherloc (09022015). Collection method: clinical testing. Allele origin: germline.
Comment: This sequence change replaces serine, which is neutral and polar, with cysteine, which is neutral and slightly polar, at codon 192 of the BARD1 protein (p.Ser192Cys). This variant is not present in population databases (gnomAD no frequency). This variant has not been reported in the literature in individuals affected with BARD1-related conditions. ClinVar contains an entry for this variant (Variation ID: 825945). An algorithm developed to predict the effect of missense changes on protein structure and function (PolyPhen-2) suggests that this variant is likely to be tolerated. In summary, the available evidence is currently insufficient to determine the role of this variant in disease. Therefore, it has been classified as a Variant of Uncertain Significance.

Ambry Genetics
Classification: Uncertain significance for Hereditary cancer-predisposing syndrome. Last evaluated: 2019-05-23. Review status: criteria provided, single submitter. Criteria: Ambry Variant Classification Scheme 2023. Collection method: clinical testing. Allele origin: germline.
Comment: The p.S192C variant (also known as c.575C>G), located in coding exon 4 of the BARD1 gene, results from a C to G substitution at nucleotide position 575. The serine at codon 192 is replaced by cysteine, an amino acid with dissimilar properties. This amino acid position is not well conserved in available vertebrate species. In addition, this alteration is predicted to be tolerated by in silico analysis. Since supporting evidence is limited at this time, the clinical significance of this alteration remains unclear.

NM_000465.4(BARD1):c.575C>G (p.Ser192Cys)

Gene: BARD1 (BRCA1 associated RING domain 1; minus strand). Cytogenetic location: 2q35.
Variant type: single nucleotide variant.
Coding change: c.575C>G on transcript NM_000465.4 (MANE Select); coding-DNA position 575, C replaced by G.
Protein change: p.Ser192Cys; replaces serine 192 with cysteine.
Molecular consequence: missense variant. On other transcripts: non-coding transcript variant (2), intron variant (3).
Genome position (GRCh38, 1-based): chr2:214,781,299, G>C on the plus strand (C>G on the coding strand, the complement: BARD1 is on the minus strand). VCF-style: chr2-214781299-G-C. GRCh37 (hg19) VCF-style: chr2-215646023-G-C.
Other names: c.518C>G, p.Ser173Cys (NM_001282543.2); c.158+28113C>G (NM_001282548.2); c.215+15762C>G (NM_001282545.2); c.364+10998C>G (NM_001282549.2); short protein forms S173C, S192C.
Identifiers: ClinVar variation 825945 (VCV000825945.7), dbSNP rs587782482, ClinGen allele CA350456855.